The following is an entry in ClinVar:

NM_001134407.3(GRIN2A):c.568A>G (p.Thr190Ala)

Gene: GRIN2A (glutamate ionotropic receptor NMDA type subunit 2A; minus strand). Cytogenetic location: 16p13.2.
Variant type: single nucleotide variant.
Coding change: c.568A>G on transcript NM_001134407.3 (MANE Select); coding-DNA position 568, A replaced by G.
Protein change: p.Thr190Ala; replaces threonine 190 with alanine.
Molecular consequence: missense variant.
Genome position (GRCh38, 1-based): chr16:9,938,398, T>C on the plus strand (A>G on the coding strand, the complement: GRIN2A is on the minus strand). VCF-style: chr16-9938398-T-C. GRCh37 (hg19) VCF-style: chr16-10032255-T-C.
Other names: c.568A>G, p.Thr190Ala (NM_000833.5, NM_001134408.2); short protein forms T190A.
Identifiers: ClinVar variation 317668 (VCV000317668.10), dbSNP rs886051634, ClinGen allele CA10638810.

ClinVar aggregate classification (germline): Uncertain significance. Review status: criteria provided, multiple submitters, no conflicts (2 of 4 stars). 4 submissions from 4 submitters: Uncertain significance (2). 2 of the submissions do not count toward it. Last evaluated 2018-01-13.

Conditions:
Inborn genetic diseases. Identifiers: MedGen C0950123, MeSH D030342.
Landau-Kleffner syndrome (FESD). Also called: EPILEPSY, FOCAL, WITH SPEECH DISORDER AND WITH OR WITHOUT MENTAL RETARDATION; APHASIA, ACQUIRED, WITH EPILEPSY. Identifiers: Orphanet 1945, Orphanet 725, Orphanet 98818, MedGen C0282512, MONDO:0009509, OMIM 245570.

Allele frequency attached by ClinVar (database versions not stated): gnomAD exomes 0.00001 and below 0.00001; TOPMed below 0.00001.
gnomAD v4.1: 17 of 1,614,136 alleles (0.0011%); highest among the groups gnomAD compares: Non-Finnish European, 0.0013%; no homozygotes.

Submissions (4):

Illumina Laboratory Services, Illumina
Classification: Uncertain significance for Landau-Kleffner syndrome. Last evaluated: 2018-01-13. Review status: criteria provided, single submitter. Criteria: ICSL Variant Classification Criteria 13 December 2019. Collection method: clinical testing. Allele origin: germline.

Ambry Genetics
Classification: Uncertain significance for Inborn genetic diseases. Last evaluated: 2017-07-25. Review status: criteria provided, single submitter. Criteria: Ambry Variant Classification Scheme 2023. Collection method: clinical testing. Allele origin: germline.
Comment: The p.T190A variant (also known as c.568A>G), located in coding exon 2 of the GRIN2A gene, results from an A to G substitution at nucleotide position 568. The threonine at codon 190 is replaced by alanine, an amino acid with similar properties. This amino acid position is highly conserved in available vertebrate species. In addition, the in silico prediction for this alteration is inconclusive. Since supporting evidence is limited at this time, the clinical significance of this alteration remains unclear.

Zotz-Klimas Genetics Lab, MVZ Zotz Klimas
Classification: Uncertain significance for Landau-Kleffner syndrome. Last evaluated: 2023-04-13. Review status: no assertion criteria provided. Collection method: clinical testing. Allele origin: germline. Affected: yes. Not counted in ClinVar's aggregate classification.

Genetics and Genomic Medicine Centre, NeuroGen Healthcare, NeuroGen Healthcare
Classification: Uncertain significance. Last evaluated: 2022-02-03. Review status: no assertion criteria provided. Collection method: clinical testing. Allele origin: unknown. Affected: yes. Not counted in ClinVar's aggregate classification.